The following is an entry in ClinVar:

ClinVar aggregate classification (germline): Pathogenic/Likely pathogenic. Review status: criteria provided, multiple submitters, no conflicts (2 of 4 stars). 3 submissions from 3 submitters: Pathogenic (2); Likely pathogenic (1). Last evaluated 2025-06-12.

Conditions:
X-linked Alport syndrome (ATS1). Also called: COL4A5-Related Nephropathy; NEPHROPATHY AND DEAFNESS, X-LINKED. Identifiers: Orphanet 63, Orphanet 88917, MedGen C4746986, MONDO:0010520, OMIM 301050.

Submissions (3):

Labcorp Genetics (formerly Invitae), Labcorp
Classification: Pathogenic. Last evaluated: 2025-06-12. Review status: criteria provided, single submitter. Criteria: Invitae Variant Classification Sherloc (09022015). Collection method: clinical testing. Allele origin: germline.
Comment: This sequence change replaces glycine, which is neutral and non-polar, with serine, which is neutral and polar, at codon 650 of the COL4A5 protein (p.Gly650Ser). This variant also falls at the last nucleotide of exon 25, which is part of the consensus splice site for this exon. This variant is not present in population databases (gnomAD no frequency). This missense change has been observed in individual(s) with Alport syndrome (PMID: 22921432). ClinVar contains an entry for this variant (Variation ID: 587099). Experimental studies and prediction algorithms are not available or were not evaluated, and the functional significance of this variant is currently unknown. Variants that disrupt the consensus splice site are a relatively common cause of aberrant splicing (PMID: 17576681, 9536098). Algorithms developed to predict the effect of sequence changes on RNA splicing suggest that this variant may disrupt the consensus splice site. This variant disrupts the triple helix domain of COL4A5. Glycine residues within the Gly-Xaa-Yaa repeats of the triple helix domain are required for the structure and stability of fibrillar collagens (PMID: 7695699, 8218237, 19344236). In COL4A5, missense variants at these glycine residues are significantly enriched in individuals with disease (PMID: 23720012, 27627812) compared to the general population (ExAC). For these reasons, this variant has been classified as Pathogenic.

3billion
Classification: Likely pathogenic for X-linked Alport syndrome. Last evaluated: 2025-02-03. Review status: criteria provided, single submitter. Criteria: ACMG Guidelines, 2015. Collection method: clinical testing. Allele origin: germline. Affected: yes.
Comment: The variant is not observed in the gnomAD v4.1.0 dataset. Predicted Consequence/Location: Missense variant In silico tool predictions suggest damaging effect of the variant on gene or gene product [REVEL: 0.96 (>=0.6, sensitivity 0.68 and specificity 0.92); 3Cnet: 0.88 (>=0.6, sensitivity 0.72 and precision 0.9)]. The same nucleotide change resulting in the same amino acid change has been previously reported to be associated with COL4A5-related disorder (ClinVar ID: VCV000587099 /PMID: 22921432). Different missense changes at the same codon (p.Gly650Arg, p.Gly650Asp, p.Gly650Cys) have been reported as pathogenic/likely pathogenic with strong evidence (ClinVar ID: VCV000939371 /PMID: 29959198, 33040356). Therefore, this variant is classified as Likely pathogenic according to the recommendation of ACMG/AMP guideline.

Molecular Genetics McLendon Clinical Laboratories, University of North Carolina at Chapel Hill
Classification: Pathogenic for X-linked Alport syndrome. Last evaluated: 2024-03-06. Review status: criteria provided, single submitter. Criteria: ACMG Guidelines, 2015. Collection method: clinical testing. Allele origin: germline.

Literature cited by the submitters: PubMed 22921432 (cited by Labcorp Genetics (formerly Invitae), Labcorp and 3billion); PubMed 17576681 (cited by Labcorp Genetics (formerly Invitae), Labcorp); PubMed 9536098 (cited by Labcorp Genetics (formerly Invitae), Labcorp); PubMed 7695699 (cited by Labcorp Genetics (formerly Invitae), Labcorp); PubMed 8218237 (cited by Labcorp Genetics (formerly Invitae), Labcorp); PubMed 19344236 (cited by Labcorp Genetics (formerly Invitae), Labcorp); PubMed 23720012 (cited by Labcorp Genetics (formerly Invitae), Labcorp); PubMed 27627812 (cited by Labcorp Genetics (formerly Invitae), Labcorp); PubMed 29959198 (cited by 3billion); PubMed 35005319 (cited by Molecular Genetics McLendon Clinical Laboratories, University of North Carolina at Chapel Hill).

NM_033380.3(COL4A5):c.1948G>A (p.Gly650Ser)

Gene: COL4A5 (collagen type IV alpha 5 chain; plus strand). Cytogenetic location: Xq22.3.
Variant type: single nucleotide variant.
Coding change: c.1948G>A on transcript NM_033380.3 (MANE Select); coding-DNA position 1948, G replaced by A.
Protein change: p.Gly650Ser; replaces glycine 650 with serine.
Molecular consequence: missense variant.
Genome position (GRCh38, 1-based): chrX:108,598,870, G>A. VCF-style: chrX-108598870-G-A. GRCh37 (hg19) VCF-style: chrX-107842100-G-A.
Other names: c.1948G>A (NM_033380.2); c.1948G>A, p.Gly650Ser (NM_000495.5); short protein forms G650S.
Identifiers: ClinVar variation 587099 (VCV000587099.13), dbSNP rs1569494393, ClinGen allele CA413845959.